The following is an entry in ClinVar:

ClinVar aggregate classification (germline): Likely benign. Review status: criteria provided, multiple submitters, no conflicts (2 of 4 stars). 2 submissions from 2 submitters: Likely benign (2). Last evaluated 2026-06-01.

Allele frequency attached by ClinVar (database versions not stated): 1000 Genomes Project 30x 0.00156; 1000 Genomes Project 0.00180; ESP Exome Variant Server 0.00223; TOPMed 0.00232.
gnomAD v4.1: 1,348 of 1,606,672 alleles (0.084%); highest among the groups gnomAD compares: African/African-American, 0.62%; 5 homozygotes.

Submissions (2):

CeGaT Center for Human Genetics Tuebingen
Classification: Likely benign. Last evaluated: 2026-06-01. Review status: criteria provided, single submitter. Criteria: CeGaT Center For Human Genetics Tuebingen Variant Classification Criteria Version 2. Collection method: clinical testing. Allele origin: germline. Affected: yes. Observed: 3 variant alleles.
Comment: SRRM2: BP4, BP7, BS1

Blueprint Genetics
Classification: Likely benign. Last evaluated: 2024-11-18. Review status: criteria provided, single submitter. Criteria: ACMG Guidelines, 2015. Collection method: clinical testing. Allele origin: germline.

NM_016333.4(SRRM2):c.7932G>C (p.Ser2644=)

Gene: SRRM2 (serine/arginine repetitive matrix 2; plus strand). Cytogenetic location: 16p13.3.
Variant type: single nucleotide variant.
Coding change: c.7932G>C on transcript NM_016333.4 (MANE Select); coding-DNA position 7932, G replaced by C.
Protein change: p.Ser2644=; no amino-acid change (serine 2644 retained).
Molecular consequence: synonymous variant.
Genome position (GRCh38, 1-based): chr16:2,769,195, G>C. VCF-style: chr16-2769195-G-C. GRCh37 (hg19) VCF-style: chr16-2819196-G-C.
Identifiers: ClinVar variation 2646083 (VCV002646083.25), dbSNP rs150110237, ClinGen allele CA7849354.